The following is an entry in ClinVar:

ClinVar aggregate classification (germline): Uncertain significance. Review status: criteria provided, multiple submitters, no conflicts (2 of 4 stars). 2 submissions from 2 submitters: Uncertain significance (2). Last evaluated 2022-11-11.

Allele frequency attached by ClinVar (database versions not stated): TOPMed below 0.00001; ExAC 0.00001; gnomAD 0.00001; gnomAD exomes 0.00002 and 0.00004.
gnomAD v4.1: 59 of 1,613,682 alleles (0.0037%); highest among the groups gnomAD compares: Non-Finnish European, 0.0049%; 1 homozygote.

Submissions (2):

Blueprint Genetics
Classification: Uncertain significance. Last evaluated: 2022-11-11. Review status: criteria provided, single submitter. Criteria: ACMG Guidelines, 2015. Collection method: clinical testing. Allele origin: germline.

Labcorp Genetics (formerly Invitae), Labcorp
Classification: Uncertain significance. Last evaluated: 2021-09-24. Review status: criteria provided, single submitter. Criteria: Invitae Variant Classification Sherloc (09022015). Collection method: clinical testing. Allele origin: germline.
Comment: This sequence change replaces isoleucine with serine at codon 247 of the GPR179 protein (p.Ile247Ser). The isoleucine residue is moderately conserved and there is a large physicochemical difference between isoleucine and serine. This variant is present in population databases (rs765247872, ExAC 0.002%). This variant has not been reported in the literature in individuals affected with GPR179-related conditions. Algorithms developed to predict the effect of missense changes on protein structure and function are either unavailable or do not agree on the potential impact of this missense change (SIFT: "Deleterious"; PolyPhen-2: "Possibly Damaging"; Align-GVGD: "Class C0"). In summary, the available evidence is currently insufficient to determine the role of this variant in disease. Therefore, it has been classified as a Variant of Uncertain Significance.

NM_001004334.4(GPR179):c.740T>G (p.Ile247Ser)

Gene: GPR179 (G protein-coupled receptor 179; minus strand). Cytogenetic location: 17q12.
Variant type: single nucleotide variant.
Coding change: c.740T>G on transcript NM_001004334.4 (MANE Select); coding-DNA position 740, T replaced by G.
Protein change: p.Ile247Ser; replaces isoleucine 247 with serine.
Molecular consequence: missense variant.
Genome position (GRCh38, 1-based): chr17:38,343,050, A>C on the plus strand (T>G on the coding strand, the complement: GPR179 is on the minus strand). VCF-style: chr17-38343050-A-C. GRCh37 (hg19) VCF-style: chr17-36498933-A-C.
Other names: short protein forms I247S.
Identifiers: ClinVar variation 1403885 (VCV001403885.4), dbSNP rs765247872, ClinGen allele CA290111346.